The following is an entry in ClinVar:

ClinVar aggregate classification (germline): Pathogenic (1 of 4 stars; one submission).

Conditions:
Telangiectasia, hereditary hemorrhagic, type 2 (HHT2). Also called: ACVRL1-Related Hereditary Hemorrhagic Telangiectasia; Telangiectasia, hereditary hemorrhagic, type II. Identifiers: Orphanet 774, MedGen C1838163, MONDO:0010880, OMIM 600376. Disease mechanism: loss of function.

Submission:

Labcorp Genetics (formerly Invitae), Labcorp
Classification: Pathogenic for Telangiectasia, hereditary hemorrhagic, type 2. Last evaluated: 2022-08-05. Review status: criteria provided, single submitter. Criteria: Invitae Variant Classification Sherloc (09022015). Collection method: clinical testing. Allele origin: germline.
Comment: For these reasons, this variant has been classified as Pathogenic. This sequence change replaces leucine, which is neutral and non-polar, with arginine, which is basic and polar, at codon 313 of the ACVRL1 protein (p.Leu313Arg). This variant is not present in population databases (gnomAD no frequency). This missense change has been observed in individual(s) with clinical features of hereditary hemorrhagic telangiectasia (Invitae). It has also been observed to segregate with disease in related individuals. Advanced modeling of protein sequence and biophysical properties (such as structural, functional, and spatial information, amino acid conservation, physicochemical variation, residue mobility, and thermodynamic stability) performed at Invitae indicates that this missense variant is expected to disrupt ACVRL1 protein function. This variant disrupts the p.Leu313 amino acid residue in ACVRL1. Other variant(s) that disrupt this residue have been observed in individuals with ACVRL1-related conditions (PMID: 23535011, 26176610), which suggests that this may be a clinically significant amino acid residue.

Literature cited by the submitters: PubMed 23535011; PubMed 26176610.

NM_000020.3(ACVRL1):c.938T>G (p.Leu313Arg)

Gene: ACVRL1 (activin A receptor like type 1; plus strand). Cytogenetic location: 12q13.13.
Variant type: single nucleotide variant.
Coding change: c.938T>G on transcript NM_000020.3 (MANE Select); coding-DNA position 938, T replaced by G.
Protein change: p.Leu313Arg; replaces leucine 313 with arginine.
Molecular consequence: missense variant.
Genome position (GRCh38, 1-based): chr12:51,915,390, T>G. VCF-style: chr12-51915390-T-G. GRCh37 (hg19) VCF-style: chr12-52309174-T-G.
Other names: c.938T>G, p.Leu313Arg (NM_001077401.2, NM_001406487.1, NM_001406488.1 and 1 more transcripts); c.626T>G, p.Leu209Arg (NM_001406490.1, NM_001406491.1, NM_001406492.1 and 2 more transcripts); c.374T>G, p.Leu125Arg (NM_001406495.1); short protein forms L125R, L209R, L313R.
Identifiers: ClinVar variation 2052691 (VCV002052691.4), dbSNP rs2540164593, ClinGen allele CA384901168.